The following is an entry in ClinVar:

NM_001378615.1(CC2D2A):c.3536A>T (p.Glu1179Val)

Genes: CC2D2A (coiled-coil and C2 domain containing 2A; plus strand), FBXL5 (F-box and leucine rich repeat protein 5; minus strand). Cytogenetic location: 4p15.32.
Variant type: single nucleotide variant.
Coding change: c.3536A>T on transcript NM_001378615.1 (MANE Select); coding-DNA position 3536, A replaced by T.
Protein change: p.Glu1179Val; replaces glutamic acid 1179 with valine.
Molecular consequence: missense variant.
Genome position (GRCh38, 1-based): chr4:15,570,438, A>T. VCF-style: chr4-15570438-A-T. GRCh37 (hg19) VCF-style: chr4-15572061-A-T.
Other names: c.3536A>T, p.Glu1179Val (NM_001080522.2); c.3389A>T, p.Glu1130Val (NM_001378617.1); short protein forms E1179V, E1130V.
Identifiers: ClinVar variation 591271 (VCV000591271.3), dbSNP rs1560188280, ClinGen allele CA356421889.
Genomic context (GRCh38, chr4:15,570,438, plus strand): 5'-ACTTCCCACCCTTCCTTTAGGATGACCGTGAAAGAGGAAGTGGAATCCATACTCGTATTG[A>T]GAGACACTGGCTGGGATGTGTGAAAATGCCATTTAGCACAATATATTTCCAAGCAAGGGT-3'
Protein context (NP_001365544.1, residues 1169-1189): ERGSGIHTRI[Glu1179Val]RHWLGCVKMP

ClinVar aggregate classification (germline): Uncertain significance. Review status: criteria provided, multiple submitters, no conflicts (2 of 4 stars). 3 submissions from 3 submitters: Uncertain significance (2). 1 of the submissions does not count toward it. Last evaluated 2025-10-06.

Conditions:
Inborn genetic diseases. Identifiers: MedGen C0950123, MeSH D030342.

Allele frequency attached by ClinVar (database versions not stated): gnomAD exomes below 0.00001.
gnomAD v4.1: 4 of 1,608,422 alleles (0.00025%); highest among the groups gnomAD compares: Admixed American, 0.0017%; no homozygotes.

Submissions (3):

Ambry Genetics
Classification: Uncertain significance for Inborn genetic diseases. Last evaluated: 2025-10-06. Review status: criteria provided, single submitter. Criteria: Ambry Variant Classification Scheme 2023. Collection method: clinical testing. Allele origin: germline.
Comment: The c.3536A>T (p.E1179V) alteration is located in exon 29 (coding exon 27) of the CC2D2A gene. This alteration results from a A to T substitution at nucleotide position 3536, causing the glutamic acid (E) at amino acid position 1179 to be replaced by a valine (V). This variant was not reported in population-based cohorts in the Genome Aggregation Database (gnomAD). This amino acid position is highly conserved in available vertebrate species. This alteration is predicted to be deleterious by in silico analysis. Based on insufficient or conflicting evidence, the clinical significance of this alteration remains unclear.

Blueprint Genetics
Classification: Uncertain significance. Last evaluated: 2020-03-31. Review status: criteria provided, single submitter. Criteria: ACMG Guidelines, 2015. Collection method: clinical testing. Allele origin: germline.

Gharavi Laboratory, Columbia University
Classification: Uncertain significance. Last evaluated: 2018-09-16. Review status: no assertion criteria provided. Criteria: ACMG Guidelines, 2015. Collection method: research. Allele origin: germline. Affected: yes. Not counted in ClinVar's aggregate classification.